The following is an entry in ClinVar:

ClinVar aggregate classification (germline): Pathogenic. Review status: criteria provided, multiple submitters, no conflicts (2 of 4 stars). 3 submissions from 3 submitters: Pathogenic (2). 1 of the submissions does not count toward it. Last evaluated 2025-04-13.

Conditions:
Cardiac arrhythmia. Also called: Arrhythmia; Cardiac rhythm disease. Identifiers: MedGen C0003811, MONDO:0007263, HP:0011675.
Familial long QT syndrome (RWS). Also called: Congenital long QT syndrome; Romano-Ward syndrome; VENTRICULAR FIBRILLATION WITH PROLONGED QT INTERVAL. Identifiers: Orphanet 768, MedGen C1141890, MONDO:0019171.
Long QT syndrome (LQTS). Identifiers: MedGen C0023976, MeSH D008133, MONDO:0002442. Disease mechanism: loss of function. Inheritance: Various modes of inheritance.

Submissions (3):

Labcorp Genetics (formerly Invitae), Labcorp
Classification: Pathogenic for Long QT syndrome. Last evaluated: 2025-04-13. Review status: criteria provided, single submitter. Criteria: Invitae Variant Classification Sherloc (09022015). Collection method: clinical testing. Allele origin: germline.
Comment: This sequence change replaces isoleucine, which is neutral and non-polar, with asparagine, which is neutral and polar, at codon 235 of the KCNQ1 protein (p.Ile235Asn). This variant is not present in population databases (gnomAD no frequency). This missense change has been observed in individuals with long QT syndrome (PMID: 18452873, 22949429, 24269949). It has also been observed to segregate with disease in related individuals. ClinVar contains an entry for this variant (Variation ID: 53088). Invitae Evidence Modeling of protein sequence and biophysical properties (such as structural, functional, and spatial information, amino acid conservation, physicochemical variation, residue mobility, and thermodynamic stability) has been performed for this missense variant. However, the output from this modeling did not meet the statistical confidence thresholds required to predict the impact of this variant on KCNQ1 protein function. Experimental studies have shown that this missense change affects KCNQ1 function (PMID: 19590188, 24269949). For these reasons, this variant has been classified as Pathogenic.

Women's Health and Genetics/Laboratory Corporation of America, LabCorp
Classification: Pathogenic for Cardiac arrhythmia. Last evaluated: 2021-08-31. Review status: criteria provided, single submitter. Criteria: LabCorp Variant Classification Summary - May 2015. Collection method: clinical testing. Allele origin: germline.
Comment: Variant summary: KCNQ1 c.704T>A (p.Ile235Asn) results in a non-conservative amino acid change located in the Ion transport domain (IPR005821; voltage sensor transmembrane domain S4 in Henrion_2009) of the encoded protein sequence. Five of five in-silico tools predict a damaging effect of the variant on protein function. The variant was absent in 248876 control chromosomes (gnomAD). c.704T>A has been reported in the literature in multiple individuals affected with Long QT Syndrome as well as ten individuals with concealed LQT1 in one family (Choi_2004, Johnson_2008, Bartos_2013). These data indicate that the variant is very likely to be associated with disease. Functional studies report experimental evidence evaluating an impact on protein function and this variant effect results in reducing KCNQ1 channel currents in a dominant-negative manner and impaired Protein Kinase A response of slow delayed rectifier potassium channels. One ClinVar submitter (evaluation after 2014) cites the variant as pathogenic. Based on the evidence outlined above, the variant was classified as pathogenic.

Cardiovascular Biomedical Research Unit, Royal Brompton & Harefield NHS Foundation Trust
No classification provided. Condition: Familial long QT syndrome. Review status: no classification provided. Collection method: literature only. Allele origin: germline. Not counted in ClinVar's aggregate classification.
Comment: This variant has been reported as associated with Long QT syndrome in the following publications (PMID:15466642;PMID:15840476;PMID:19590188;PMID:19716085;PMID:19841300). This is a literature report, and does not necessarily reflect the clinical interpretation of the Imperial College / Royal Brompton Cardiovascular Genetics laboratory.

Literature cited by the submitters: PubMed 18452873 (cited by Labcorp Genetics (formerly Invitae), Labcorp and Women's Health and Genetics/Laboratory Corporation of America, LabCorp); PubMed 22949429 (cited by Labcorp Genetics (formerly Invitae), Labcorp); PubMed 24269949 (cited by Labcorp Genetics (formerly Invitae), Labcorp and Women's Health and Genetics/Laboratory Corporation of America, LabCorp); PubMed 19590188 (cited by 3 submitters); PubMed 15466642 (cited by Women's Health and Genetics/Laboratory Corporation of America, LabCorp and Cardiovascular Biomedical Research Unit, Royal Brompton & Harefield NHS Foundation Trust); PubMed 19841300 (cited by Women's Health and Genetics/Laboratory Corporation of America, LabCorp and Cardiovascular Biomedical Research Unit, Royal Brompton & Harefield NHS Foundation Trust); PubMed 30935642 (cited by Women's Health and Genetics/Laboratory Corporation of America, LabCorp); PubMed 15840476 (cited by Cardiovascular Biomedical Research Unit, Royal Brompton & Harefield NHS Foundation Trust); PubMed 19716085 (cited by Cardiovascular Biomedical Research Unit, Royal Brompton & Harefield NHS Foundation Trust); PubMed 22581653 (cited by Cardiovascular Biomedical Research Unit, Royal Brompton & Harefield NHS Foundation Trust).

NM_000218.3(KCNQ1):c.704T>A (p.Ile235Asn)

Gene: KCNQ1 (potassium voltage-gated channel subfamily Q member 1; plus strand). Cytogenetic location: 11p15.5.
Variant type: single nucleotide variant.
Coding change: c.704T>A on transcript NM_000218.3 (MANE Select); coding-DNA position 704, T replaced by A.
Protein change: p.Ile235Asn; replaces isoleucine 235 with asparagine.
Molecular consequence: missense variant.
Genome position (GRCh38, 1-based): chr11:2,572,033, T>A. VCF-style: chr11-2572033-T-A. GRCh37 (hg19) VCF-style: chr11-2593263-T-A.
Other names: c.704T>A (LRG_287t1); c.704T>A, p.Ile235Asn (NM_001406836.1); c.434T>A, p.Ile145Asn (NM_001406837.1); c.323T>A, p.Ile108Asn (NM_181798.2); short protein forms I235N, I108N, I145N.
Identifiers: ClinVar variation 53088 (VCV000053088.10), dbSNP rs199472710, ClinGen allele CA007935.